The following is an entry in ClinVar:

NM_000455.5(STK11):c.529A>G (p.Ile177Val)

Gene: STK11 (serine/threonine kinase 11; plus strand). Cytogenetic location: 19p13.3.
Variant type: single nucleotide variant.
Coding change: c.529A>G on transcript NM_000455.5 (MANE Select); coding-DNA position 529, A replaced by G.
Protein change: p.Ile177Val; replaces isoleucine 177 with valine.
Molecular consequence: missense variant. On other transcripts: non-coding transcript variant (1).
Genome position (GRCh38, 1-based): chr19:1,220,437, A>G. VCF-style: chr19-1220437-A-G. GRCh37 (hg19) VCF-style: chr19-1220436-A-G.
Other names: c.529A>G, p.Ile177Val (NM_001407255.1); short protein forms I177V.
Identifiers: ClinVar variation 3074514 (VCV003074514.1), dbSNP rs2145424376, ClinGen allele CA402949036.

ClinVar aggregate classification (germline): Uncertain significance (1 of 4 stars; one submission).

Conditions:
Peutz-Jeghers syndrome (PJS). Also called: POLYPOSIS, HAMARTOMATOUS INTESTINAL; POLYPS-AND-SPOTS SYNDROME; Peutz-Jeghers polyposis; Periorificial lentiginosis syndrome. Identifiers: Orphanet 2869, MedGen C0031269, MeSH D010580, MONDO:0008280, OMIM 175200.

Submission:

All of Us Research Program, National Institutes of Health
Classification: Uncertain significance for Peutz-Jeghers syndrome. Last evaluated: 2023-11-20. Review status: criteria provided, single submitter. Criteria: ACMG Guidelines, 2015. Collection method: clinical testing. Allele origin: germline. Inheritance: Autosomal dominant inheritance. Observed: 1 variant allele, 1 heterozygote.
Comment: This missense variant replaces isoleucine with valine at codon 177 of the STK11 protein. Computational prediction is inconclusive regarding the impact of this variant on protein structure and function (internally defined REVEL score threshold 0.5 < inconclusive < 0.7, PMID: 27666373). To our knowledge, functional studies have not been reported for this variant. This variant has not been reported in individuals affected with STK11-related disorders in the literature. This variant has not been identified in the general population by the Genome Aggregation Database (gnomAD). The available evidence is insufficient to determine the role of this variant in disease conclusively. Therefore, this variant is classified as a Variant of Uncertain Significance.

This study involves interpretation of variants in research participants for the purpose of population health screening. Participant phenotype was not available at the time of variant classification. Additional details can be found in publication PMID: 35346344, PMCID: PMC8962531